The following is an entry in ClinVar:

ClinVar aggregate classification (germline): Uncertain significance (0 of 4 stars; one submission).

Conditions:
IFT172-related disorder. Also called: IFT172-related disorders; IFT172-related condition.

gnomAD v4.1: 1 of 1,613,804 alleles (0.000062%); highest among the groups gnomAD compares: East Asian, 0.0022%; no homozygotes.

Submission:

PreventionGenetics, part of Exact Sciences
Classification: Uncertain significance for IFT172-related condition. Last evaluated: 2023-10-26. Review status: no assertion criteria provided. Collection method: clinical testing. Allele origin: germline.
Comment: The IFT172 c.2022+4A>G variant is predicted to interfere with splicing. This variant is predicted to impact splicing, however such predictions are not equivalent to functional evidence (Alamut Visual Plus v.1.6.1). To our knowledge, this variant has not been reported in the literature. This variant is reported in 0.0054% of alleles in individuals of East Asian descent in gnomAD. At this time, the clinical significance of this variant is uncertain due to the absence of conclusive functional and genetic evidence.

NM_015662.3(IFT172):c.2022+4A>G

Gene: IFT172 (intraflagellar transport 172; minus strand). Cytogenetic location: 2p23.3.
Variant type: single nucleotide variant.
Coding change: c.2022+4A>G on transcript NM_015662.3 (MANE Select); 4 bases into the intron after coding-DNA position 2022, A replaced by G.
Molecular consequence: intron variant.
Genome position (GRCh38, 1-based): chr2:27,463,093, T>C on the plus strand (A>G on the coding strand, the complement: IFT172 is on the minus strand). VCF-style: chr2-27463093-T-C. GRCh37 (hg19) VCF-style: chr2-27685960-T-C.
Other names: c.1956+4A>G (NM_001410739.1).
Identifiers: ClinVar variation 3350613 (VCV003350613.1).